The following is an entry in ClinVar:

ClinVar aggregate classification (germline): Uncertain significance (1 of 4 stars; one submission).

gnomAD v4.1: 1 of 1,614,166 alleles (0.000062%); highest among the groups gnomAD compares: Non-Finnish European, 0.000085%; no homozygotes.

Submission:

GeneDx
Classification: Uncertain significance. Last evaluated: 2025-02-02. Review status: criteria provided, single submitter. Criteria: GeneDx Variant Classification Process June 2021. Collection method: clinical testing. Allele origin: germline. Affected: yes.
Comment: Not observed at significant frequency in large population cohorts (gnomAD); In silico analysis supports that this missense variant has a deleterious effect on protein structure/function; Has not been previously published as pathogenic or benign to our knowledge

NM_001256071.3(RNF213):c.10738C>G (p.Arg3580Gly)

Genes: RNF213-AS1 (RNF213 antisense RNA 1; minus strand), RNF213 (ring finger protein 213; plus strand). Cytogenetic location: 17q25.3.
Variant type: single nucleotide variant.
Coding change: c.10738C>G on transcript NM_001256071.3 (MANE Select); coding-DNA position 10738, C replaced by G.
Protein change: p.Arg3580Gly; replaces arginine 3580 with glycine.
Molecular consequence: missense variant. On other transcripts: non-coding transcript variant (1).
Genome position (GRCh38, 1-based): chr17:80,354,452, C>G. VCF-style: chr17-80354452-C-G. GRCh37 (hg19) VCF-style: chr17-78328252-C-G.
Other names: c.10885C>G, p.Arg3629Gly (NM_001410195.1, NM_020914.5); short protein forms R3580G, R3629G.
Identifiers: ClinVar variation 4072732 (VCV004072732.1).
Genomic context (GRCh38, chr17:80,354,452, plus strand): 5'-AACAGCTCAGCCACGGCCATGCTGAACGTCTGTTTCTGCCTTTGTACAGCCTCTTTCTTG[C>G]GGGTATCCAAGATGCGCCTCAGTGTCTTTTTAAAGAAGCAAGAAGAGAGCCAGTTTCACC-3'
Protein context (NP_001243000.2, residues 3570-3590): EDDACHASFL[Arg3580Gly]VSKMRLSVFL